The following is an entry in ClinVar:

NM_007294.4(BRCA1):c.2303G>A (p.Ser768Asn)

Gene: BRCA1 (BRCA1 DNA repair associated; minus strand). Cytogenetic location: 17q21.31.
Variant type: single nucleotide variant.
Coding change: c.2303G>A on transcript NM_007294.4 (MANE Select); coding-DNA position 2303, G replaced by A.
Protein change: p.Ser768Asn; replaces serine 768 with asparagine.
Molecular consequence: missense variant. On other transcripts: intron variant (137).
Genome position (GRCh38, 1-based): chr17:43,093,228, C>T on the plus strand (G>A on the coding strand, the complement: BRCA1 is on the minus strand). VCF-style: chr17-43093228-C-T. GRCh37 (hg19) VCF-style: chr17-41245245-C-T.
Other names: c.2039G>A, p.Ser680Asn (NM_001407922.1, NM_001407923.1, NM_001407924.1 and 9 more transcripts); c.2162G>A, p.Ser721Asn (NM_001407739.1, NM_001407750.1, NM_001407751.1 and 29 more transcripts); c.2159G>A, p.Ser720Asn (NM_001407740.1, NM_001407741.1, NM_001407742.1 and 20 more transcripts); c.2090G>A, p.Ser697Asn (NM_001407853.1, NM_001407894.1, NM_001407895.1 and 9 more transcripts); c.2303G>A, p.Ser768Asn (NM_001407854.1, NM_001407858.1, NM_001407859.1 and 30 more transcripts); c.2300G>A, p.Ser767Asn (NM_001407860.1, NM_001407861.1, NM_001407587.1 and 22 more transcripts); c.2102G>A, p.Ser701Asn (NM_001407862.1); c.2180G>A, p.Ser727Asn (NM_001407863.1, NM_001407919.1, NM_001407937.1 and 19 more transcripts); and 41 more; short protein forms S721N, S768N, S640N, S641N, S680N, S697N, S700N, S726N.
Identifiers: ClinVar variation 821002 (VCV000821002.7), dbSNP rs1597870869, ClinGen allele CA10597395.
Genomic context (GRCh38, chr17:43,093,228, plus strand): 5'-ACTTCCAGTAACGAGATACTTTCCTGAGTGCCATAATCAGTACCAGGTACCAATGAAATA[C>T]TGCTACTCTCTACAGATCTTTCAGTTTGCAAAACCCTTTCTCCACTTAACATGAGATCTT-3'
Protein context (NP_009225.1, residues 758-778): LQTERSVESS[Ser768Asn]ISLVPGTDYG

ClinVar aggregate classification (germline): Conflicting classifications of pathogenicity. Review status: criteria provided, conflicting classifications (1 of 4 stars). 2 submissions from 2 submitters: Uncertain significance (1); Likely benign (1). Last evaluated 2023-03-23.

Conditions:
Hereditary cancer-predisposing syndrome. Also called: Neoplastic Syndromes, Hereditary; Tumor predisposition; Hereditary Cancer Syndrome; Hereditary neoplastic syndrome. Identifiers: Orphanet 140162, MedGen C0027672, MeSH D009386, MONDO:0015356.

Submissions (2):

University of Washington Department of Laboratory Medicine, University of Washington
Classification: Likely benign for Hereditary cancer-predisposing syndrome. Last evaluated: 2023-03-23. Review status: criteria provided, single submitter. Criteria: Dines et al. (Genet Med. 2020). Collection method: curation. Allele origin: germline.
Comment: Missense variant in a coldspot region where missense variants are very unlikely to be pathogenic (PMID:31911673).

BRCA1 coldspot (exon 11 using historical exon numbering). Reclassification based on statistical prior probability

Ambry Genetics
Classification: Uncertain significance for Hereditary cancer-predisposing syndrome. Last evaluated: 2018-04-23. Review status: criteria provided, single submitter. Criteria: Ambry Variant Classification Scheme 2023. Collection method: clinical testing. Allele origin: germline.
Comment: The p.S768N variant (also known as c.2303G>A), located in coding exon 9 of the BRCA1 gene, results from a G to A substitution at nucleotide position 2303. The serine at codon 768 is replaced by asparagine, an amino acid with highly similar properties. This amino acid position is not well conserved in available vertebrate species. In addition, this alteration is predicted to be tolerated by in silico analysis. Since supporting evidence is limited at this time, the clinical significance of this alteration remains unclear.